The following is an entry in ClinVar:

NM_004366.6(CLCN2):c.1480A>G (p.Ile494Val)

Gene: CLCN2 (chloride voltage-gated channel 2; minus strand). Cytogenetic location: 3q27.1.
Variant type: single nucleotide variant.
Coding change: c.1480A>G on transcript NM_004366.6 (MANE Select); coding-DNA position 1480, A replaced by G.
Protein change: p.Ile494Val; replaces isoleucine 494 with valine.
Molecular consequence: missense variant.
Genome position (GRCh38, 1-based): chr3:184,354,575, T>C on the plus strand (A>G on the coding strand, the complement: CLCN2 is on the minus strand). VCF-style: chr3-184354575-T-C. GRCh37 (hg19) VCF-style: chr3-184072363-T-C.
Other names: c.1429A>G, p.Ile477Val (NM_001171087.3); c.1348A>G, p.Ile450Val (NM_001171088.3); c.1480A>G, p.Ile494Val (NM_001171089.3); short protein forms I477V, I494V, I450V.
Identifiers: ClinVar variation 3002904 (VCV003002904.3), dbSNP rs2474244945, ClinGen allele CA355450380.
Genomic context (GRCh38, chr3:184,354,575, plus strand): 5'-TCTCCCAAGGCCGATGGGACCTGAGGCACTCACCGACCACAGCGTAGCCCCCAGGCACAA[T>C]CCGGTAGGTGCTGCTGTCCGTATGAATTCCATCTGGGAACCAGGCAGCCATGCTTTCACC-3'
Protein context (NP_004357.3, residues 484-504): GIHTDSSTYR[Ile494Val]VPGGYAVVGA

ClinVar aggregate classification (germline): Uncertain significance (1 of 4 stars; one submission).

gnomAD v4.1: 3 of 1,611,152 alleles (0.00019%); highest among the groups gnomAD compares: Non-Finnish European, 0.00025%; no homozygotes.

Submission:

Labcorp Genetics (formerly Invitae), Labcorp
Classification: Uncertain significance. Last evaluated: 2023-12-18. Review status: criteria provided, single submitter. Criteria: Invitae Variant Classification Sherloc (09022015). Collection method: clinical testing. Allele origin: germline.
Comment: This sequence change replaces isoleucine, which is neutral and non-polar, with valine, which is neutral and non-polar, at codon 494 of the CLCN2 protein (p.Ile494Val). This variant is not present in population databases (gnomAD no frequency). This variant has not been reported in the literature in individuals affected with CLCN2-related conditions. Advanced modeling of protein sequence and biophysical properties (such as structural, functional, and spatial information, amino acid conservation, physicochemical variation, residue mobility, and thermodynamic stability) performed at Invitae indicates that this missense variant is not expected to disrupt CLCN2 protein function with a negative predictive value of 80%. In summary, the available evidence is currently insufficient to determine the role of this variant in disease. Therefore, it has been classified as a Variant of Uncertain Significance.